The following is an entry in ClinVar:

ClinVar aggregate classification (germline): Uncertain significance (1 of 4 stars; one submission).

Conditions:
CHARGE syndrome (CHARGE). Also called: Hittner Hirsch Kreh syndrome; CHARGE ASSOCIATION--COLOBOMA, HEART ANOMALY, CHOANAL ATRESIA, RETARDATION, GENITAL AND EAR ANOMALIES; Coloboma, heart anomaly, choanal atresia, retardation, genital and ear anomalies; CHARGE association; Hall-Hittner syndrome. Identifiers: Orphanet 138, MedGen C0265354, MONDO:0008965.

gnomAD v4.1: 3 of 1,613,200 alleles (0.00019%); highest among the groups gnomAD compares: East Asian, 0.0022%; no homozygotes.

Submission:

Labcorp Genetics (formerly Invitae), Labcorp
Classification: Uncertain significance for CHARGE syndrome. Last evaluated: 2025-03-06. Review status: criteria provided, single submitter. Criteria: Invitae Variant Classification Sherloc (09022015). Collection method: clinical testing. Allele origin: germline.
Comment: This sequence change replaces isoleucine, which is neutral and non-polar, with valine, which is neutral and non-polar, at codon 1958 of the CHD7 protein (p.Ile1958Val). This variant is not present in population databases (gnomAD no frequency). This variant has not been reported in the literature in individuals affected with CHD7-related conditions. Invitae Evidence Modeling of protein sequence and biophysical properties (such as structural, functional, and spatial information, amino acid conservation, physicochemical variation, residue mobility, and thermodynamic stability) indicates that this missense variant is not expected to disrupt CHD7 protein function with a negative predictive value of 95%. In summary, the available evidence is currently insufficient to determine the role of this variant in disease. Therefore, it has been classified as a Variant of Uncertain Significance.

NM_017780.4(CHD7):c.5872A>G (p.Ile1958Val)

Gene: CHD7 (chromodomain helicase DNA binding protein 7; plus strand). Cytogenetic location: 8q12.2.
Variant type: single nucleotide variant.
Coding change: c.5872A>G on transcript NM_017780.4 (MANE Select); coding-DNA position 5872, A replaced by G.
Protein change: p.Ile1958Val; replaces isoleucine 1958 with valine.
Molecular consequence: missense variant. On other transcripts: intron variant (1).
Genome position (GRCh38, 1-based): chr8:60,852,225, A>G. VCF-style: chr8-60852225-A-G. GRCh37 (hg19) VCF-style: chr8-61764784-A-G.
Other names: c.1717-10004A>G (NM_001316690.1); short protein forms I1958V.
Identifiers: ClinVar variation 4797647 (VCV004797647.1).